The following is an entry in ClinVar:

ClinVar aggregate classification (germline): Uncertain significance. Review status: criteria provided, multiple submitters, no conflicts (2 of 4 stars). 2 submissions from 2 submitters: Uncertain significance (2). Last evaluated 2025-08-01.

Conditions:
Hypertrophic cardiomyopathy. Also called: HYPERTROPHIC MYOCARDIOPATHY. Identifiers: Orphanet 217569, MedGen C0007194, MeSH D002312, MONDO:0005045, HP:0001639.

Submissions (2):

Labcorp Genetics (formerly Invitae), Labcorp
Classification: Uncertain significance for Hypertrophic cardiomyopathy. Last evaluated: 2025-08-01. Review status: criteria provided, single submitter. Criteria: Invitae Variant Classification Sherloc (09022015). Collection method: clinical testing. Allele origin: germline.
Comment: This sequence change replaces glutamine, which is neutral and polar, with lysine, which is basic and polar, at codon 907 of the MYH7 protein (p.Gln907Lys). This variant is not present in population databases (gnomAD no frequency). This missense change has been observed in individual(s) with hypertrophic cardiomyopathy (PMID: 27532257, 37652022). ClinVar contains an entry for this variant (Variation ID: 42928). Invitae Evidence Modeling of protein sequence and biophysical properties (such as structural, functional, and spatial information, amino acid conservation, physicochemical variation, residue mobility, and thermodynamic stability) has been performed for this missense variant. However, the output from this modeling did not meet the statistical confidence thresholds required to predict the impact of this variant on MYH7 protein function. In summary, the available evidence is currently insufficient to determine the role of this variant in disease. Therefore, it has been classified as a Variant of Uncertain Significance.

Laboratory for Molecular Medicine, Mass General Brigham Personalized Medicine
Classification: Uncertain significance. Last evaluated: 2011-05-27. Review status: criteria provided, single submitter. Criteria: LMM Criteria. Collection method: clinical testing. Allele origin: germline. Observed: 4 variant alleles.
Comment: The Gln907Lys variant has not been reported in the literature but has been detec ted in 2/90 Hispanic cardiomyopathy probands tested by our laboratory. Because h ealthy control information is unavailable for this population we are unable to e xclude that this variant is common and therefore benign. In one of the families, the variant was present in 3 affected individuals, whcih is consistent with a p athogenic role. However, glutamine (Gln) at amino acid position 907 is conserved in mammals and chicken but not in evolutionary distant species (zebrafish fish carries a glycine), reducing the likelihood that the change is pathogenic. In ad dition, computational predictions are inconsistent. Three tools (AlignGVGD, SIF T, MAPP) predict that the variant is deleterious but their accuracy is unknown. In contrast, the variant was predicted to be benign using a novel tool, which wa s validated by our laboratory using a set of cardiomyopathy variants with well-e stablished clinical significance. This tool's benign prediction is estimated to be correct 89% of the time (Jordan 2011). In summary, additional data (healthy c ontrol studies and familial segregation) are needed to determine the clinical si gnificance of this variant.

Literature cited by the submitters: PubMed 27532257 (cited by Labcorp Genetics (formerly Invitae), Labcorp); PubMed 37652022 (cited by Labcorp Genetics (formerly Invitae), Labcorp).

NM_000257.4(MYH7):c.2719C>A (p.Gln907Lys)

Gene: MYH7 (myosin heavy chain 7; minus strand). Cytogenetic location: 14q11.2.
Variant type: single nucleotide variant.
Coding change: c.2719C>A on transcript NM_000257.4 (MANE Select); coding-DNA position 2719, C replaced by A.
Protein change: p.Gln907Lys; replaces glutamine 907 with lysine.
Molecular consequence: missense variant.
Genome position (GRCh38, 1-based): chr14:23,424,110, G>T on the plus strand (C>A on the coding strand, the complement: MYH7 is on the minus strand). VCF-style: chr14-23424110-G-T. GRCh37 (hg19) VCF-style: chr14-23893319-G-T.
Other names: short protein forms Q907K.
Identifiers: ClinVar variation 42928 (VCV000042928.12), dbSNP rs397516167, ClinGen allele CA012945.
Genomic context (GRCh38, chr14:23,424,110, plus strand): 5'-CCAGCCTCTCGTTCATCTCCTTCACCTTGGCCTCCAGCTGAATCTTGTTTTTGATCAGCT[G>T]ATCACAGCGCTCCTCAGCATCTGCCAGGTTGTCTTGTTCCTGAAGGTGAGGAACAGAGGG-3'
Protein context (NP_000248.2, residues 897-917): NLADAEERCD[Gln907Lys]LIKNKIQLEA